The following is an entry in ClinVar:

NM_005431.2(XRCC2):c.158G>A (p.Gly53Glu)

Gene: XRCC2 (X-ray repair cross complementing 2; minus strand). Cytogenetic location: 7q36.1.
Variant type: single nucleotide variant.
Coding change: c.158G>A on transcript NM_005431.2 (MANE Select); coding-DNA position 158, G replaced by A.
Protein change: p.Gly53Glu; replaces glycine 53 with glutamic acid.
Molecular consequence: missense variant.
Genome position (GRCh38, 1-based): chr7:152,649,327, C>T on the plus strand (G>A on the coding strand, the complement: XRCC2 is on the minus strand). VCF-style: chr7-152649327-C-T. GRCh37 (hg19) VCF-style: chr7-152346412-C-T.
Other names: short protein forms G53E.
Identifiers: ClinVar variation 1937806 (VCV001937806.5), dbSNP rs1163807963, ClinGen allele CA370199302.

ClinVar aggregate classification (germline): Uncertain significance (1 of 4 stars; one submission).

Submission:

Labcorp Genetics (formerly Invitae), Labcorp
Classification: Uncertain significance. Last evaluated: 2022-06-09. Review status: criteria provided, single submitter. Criteria: Invitae Variant Classification Sherloc (09022015). Collection method: clinical testing. Allele origin: germline.
Comment: In summary, the available evidence is currently insufficient to determine the role of this variant in disease. Therefore, it has been classified as a Variant of Uncertain Significance. This variant has not been reported in the literature in individuals affected with XRCC2-related conditions. Algorithms developed to predict the effect of missense changes on protein structure and function (SIFT, PolyPhen-2, Align-GVGD) all suggest that this variant is likely to be disruptive. This variant is not present in population databases (gnomAD no frequency). This sequence change replaces glycine, which is neutral and non-polar, with glutamic acid, which is acidic and polar, at codon 53 of the XRCC2 protein (p.Gly53Glu).